The following is an entry in ClinVar:

NM_001148.6(ANK2):c.4123-257G>T

Gene: ANK2 (ankyrin 2; plus strand). Cytogenetic location: 4q26.
Variant type: single nucleotide variant.
Coding change: c.4123-257G>T on transcript NM_001148.6 (MANE Select); 257 bases into the intron before coding-DNA position 4123, G replaced by T.
Molecular consequence: intron variant.
Genome position (GRCh38, 1-based): chr4:113,342,760, G>T. VCF-style: chr4-113342760-G-T. GRCh37 (hg19) VCF-style: chr4-114263916-G-T.
Other names: c.4108-257G>T (NM_001386186.2, NM_001386148.2); c.3910-257G>T (NM_001354269.3); c.3988-257G>T (NM_001386187.2); c.3982-257G>T (NM_001386147.1, NM_001354261.2); c.3967-257G>T (NM_001386160.1); c.4072-257G>T (NM_001354254.2); c.4093-257G>T (NM_001354239.2, NM_001354252.2); c.3994-257G>T (NM_001354272.2); and 31 more.
Identifiers: ClinVar variation 683079 (VCV000683079.1), dbSNP rs10021845, ClinGen allele CA16197217.
Genomic context (GRCh38, chr4:113,342,760, plus strand): 5'-AAAAAAAAAAAAAAATTACCCAAGCATAAGTTTAAATTTAGGATTTAAATGTATTTTGGG[G>T]TTGTGGAATAATGGGATACACTTTTTGGAATGAGAACATTAAATGTCACCATGCATTAAA-3'

ClinVar aggregate classification (germline): Benign (1 of 4 stars; one submission).

Allele frequency attached by ClinVar (database versions not stated): gnomAD 0.22934 and 0.23739; TOPMed 0.25030; 1000 Genomes Project 0.26018; 1000 Genomes Project 30x 0.27295.
gnomAD v4.1: 34,624 of 152,042 alleles (23%); highest among the groups gnomAD compares: African/African-American, 55%; 6,976 homozygotes.

Submission:

GeneDx
Classification: Benign. Last evaluated: 2018-06-19. Review status: criteria provided, single submitter. Criteria: GeneDx Variant Classification (06012015). Collection method: clinical testing. Allele origin: germline. Affected: yes.
Comment: This variant is considered likely benign or benign based on one or more of the following criteria: it is a conservative change, it occurs at a poorly conserved position in the protein, it is predicted to be benign by multiple in silico algorithms, and/or has population frequency not consistent with disease.